The following is an entry in ClinVar:

NM_000482.4(APOA4):c.427C>A (p.Arg143Ser)

Gene: APOA4 (apolipoprotein A4; minus strand). Cytogenetic location: 11q23.3.
Variant type: single nucleotide variant.
Coding change: c.427C>A on transcript NM_000482.4 (MANE Select); coding-DNA position 427, C replaced by A.
Protein change: p.Arg143Ser; replaces arginine 143 with serine.
Molecular consequence: missense variant.
Genome position (GRCh38, 1-based): chr11:116,821,631, G>T on the plus strand (C>A on the coding strand, the complement: APOA4 is on the minus strand). VCF-style: chr11-116821631-G-T. GRCh37 (hg19) VCF-style: chr11-116692347-G-T.
Other names: short protein forms R143S.
Identifiers: ClinVar variation 4760081 (VCV004760081.1).
Genomic context (GRCh38, chr11:116,821,631, plus strand): 5'-GCTGTGCGTAGGGGGTCAGCTGGCGCCGCAGCTGCTCGGCCTGCGTGCTGACCTGGGTGC[G>T]CAGCTGGTCCGCGTAGGGCTCCAGGCGCTGCTGAAGCTCTCGCAGGTTGTCCCCGATCTT-3'
Protein context (NP_000473.2, residues 133-153): QRLEPYADQL[Arg143Ser]TQVSTQAEQL

ClinVar aggregate classification (germline): Uncertain significance (1 of 4 stars; one submission).

gnomAD v4.1: 11 of 1,610,222 alleles (0.00068%); highest among the groups gnomAD compares: Non-Finnish European, 0.00093%; no homozygotes.

Submission:

Labcorp Genetics (formerly Invitae), Labcorp
Classification: Uncertain significance. Last evaluated: 2025-08-17. Review status: criteria provided, single submitter. Criteria: Invitae Variant Classification Sherloc (09022015). Collection method: clinical testing. Allele origin: germline.
Comment: This sequence change replaces arginine, which is basic and polar, with serine, which is neutral and polar, at codon 143 of the APOA4 protein (p.Arg143Ser). This variant is not present in population databases (gnomAD no frequency). This variant has not been reported in the literature in individuals affected with APOA4-related conditions. Invitae Evidence Modeling of protein sequence and biophysical properties (such as structural, functional, and spatial information, amino acid conservation, physicochemical variation, residue mobility, and thermodynamic stability) indicates that this missense variant is not expected to disrupt APOA4 protein function with a negative predictive value of 80%. In summary, the available evidence is currently insufficient to determine the role of this variant in disease. Therefore, it has been classified as a Variant of Uncertain Significance.